The following is an entry in ClinVar:

NM_000138.5(FBN1):c.2136C>T (p.Ser712=)

Gene: FBN1 (fibrillin 1; minus strand). Cytogenetic location: 15q21.1.
Variant type: single nucleotide variant.
Coding change: c.2136C>T on transcript NM_000138.5 (MANE Select); coding-DNA position 2136, C replaced by T.
Protein change: p.Ser712=; no amino-acid change (serine 712 retained).
Molecular consequence: synonymous variant.
Genome position (GRCh38, 1-based): chr15:48,499,016, G>A on the plus strand (C>T on the coding strand, the complement: FBN1 is on the minus strand). VCF-style: chr15-48499016-G-A. GRCh37 (hg19) VCF-style: chr15-48791213-G-A.
Other names: c.2136C>T, p.Ser712= (NM_001406716.1).
Identifiers: ClinVar variation 3046772 (VCV003046772.2), dbSNP rs2505580364, ClinGen allele CA490023886.

ClinVar aggregate classification (germline): Likely benign (0 of 4 stars; one submission).

Conditions:
FBN1-related disorder. Also called: FBN1-related disorders.

Allele frequency attached by ClinVar (database versions not stated): gnomAD exomes below 0.00001.
gnomAD v4.1: 1 of 1,614,196 alleles (0.000062%); highest among the groups gnomAD compares: Non-Finnish European, 0.000085%; no homozygotes.

Submission:

PreventionGenetics, part of Exact Sciences
Classification: Likely benign for FBN1-related condition. Last evaluated: 2019-04-02. Review status: no assertion criteria provided. Collection method: clinical testing. Allele origin: germline.
Comment: This variant is classified as likely benign based on ACMG/AMP sequence variant interpretation guidelines (Richards et al. 2015 PMID: 25741868, with internal and published modifications).